The following is an entry in ClinVar:

ClinVar aggregate classification (germline): Uncertain significance (1 of 4 stars; one submission).

Conditions:
Deficiency of adenosine deaminase 2. Also called: Polyarteritis nodosa, childhoood-onset; Adenosine Deaminase 2 Deficiency; VASCULITIS, AUTOINFLAMMATION, IMMUNODEFICIENCY, AND HEMATOLOGIC DEFECTS SYNDROME. Identifiers: Orphanet 404553, MedGen C3887654, MONDO:0014306, OMIM 615688, MONDO:0100317.

Allele frequency attached by ClinVar (database versions not stated): gnomAD exomes below 0.00001 and 0.00001; TOPMed below 0.00001.

Submission:

Labcorp Genetics (formerly Invitae), Labcorp
Classification: Uncertain significance for Deficiency of adenosine deaminase 2. Last evaluated: 2025-01-27. Review status: criteria provided, single submitter. Criteria: Invitae Variant Classification Sherloc (09022015). Collection method: clinical testing. Allele origin: germline.
Comment: This sequence change replaces arginine, which is basic and polar, with serine, which is neutral and polar, at codon 126 of the ADA2 protein (p.Arg126Ser). This variant is present in population databases (no rsID available, gnomAD 0.006%). This variant has not been reported in the literature in individuals affected with ADA2-related conditions. ClinVar contains an entry for this variant (Variation ID: 1519771). Invitae Evidence Modeling of protein sequence and biophysical properties (such as structural, functional, and spatial information, amino acid conservation, physicochemical variation, residue mobility, and thermodynamic stability) indicates that this missense variant is not expected to disrupt ADA2 protein function with a negative predictive value of 95%. Algorithms developed to predict the effect of sequence changes on RNA splicing suggest that this variant may create or strengthen a splice site. In summary, the available evidence is currently insufficient to determine the role of this variant in disease. Therefore, it has been classified as a Variant of Uncertain Significance.

NM_001282225.2(ADA2):c.378G>T (p.Arg126Ser)

Gene: ADA2 (adenosine deaminase 2; minus strand). Cytogenetic location: 22q11.1.
Variant type: single nucleotide variant.
Coding change: c.378G>T on transcript NM_001282225.2 (MANE Select); coding-DNA position 378, G replaced by T.
Protein change: p.Arg126Ser; replaces arginine 126 with serine.
Molecular consequence: missense variant.
Genome position (GRCh38, 1-based): chr22:17,207,235, C>A on the plus strand (G>T on the coding strand, the complement: ADA2 is on the minus strand). VCF-style: chr22-17207235-C-A. GRCh37 (hg19) VCF-style: chr22-17688125-C-A.
Other names: c.378G>T, p.Arg126Ser (NM_001282226.2); c.252G>T, p.Arg84Ser (NM_001282227.2, NM_001282228.2); c.18G>T, p.Arg6Ser (NM_001282229.2); short protein forms R84S, R126S, R6S.
Identifiers: ClinVar variation 1519771 (VCV001519771.7), dbSNP rs1163129294, ClinGen allele CA410229834.